The following is an entry in ClinVar:

ClinVar aggregate classification (germline): Benign/Likely benign. Review status: criteria provided, multiple submitters, no conflicts (2 of 4 stars). 7 submissions from 7 submitters: Benign (1); Likely benign (6). Last evaluated 2023-09-13.

Conditions:
Diabetic retinopathy. Identifiers: MedGen C0011884, MONDO:0005266.
Colorectal cancer, hereditary nonpolyposis, type 6. Also called: Colon cancer, hereditary nonpolyposis, type 6; Colon cancer, hereditary nonpolyposis, type 6, somatic. Identifiers: Orphanet 144, MedGen C1860896, MONDO:0013695, OMIM 614331.
Loeys-Dietz syndrome 2 (LDS2). Also called: TGFBR2-Related Loeys-Dietz Syndrome; AORTIC ANEURYSM, FAMILIAL THORACIC 3; MARFAN SYNDROME, TYPE II; Marfan syndrome, type 2 (formerly); Marfan Syndrome type 2; Marfan like connective tissue disorder. Identifiers: Orphanet 284973, Orphanet 558, MedGen C2674574, MONDO:0012427, OMIM 610168.
Malignant tumor of esophagus. Also called: Esophageal cancer, somatic; Esophageal cancer. Identifiers: Orphanet 99977, MedGen C0546837, MONDO:0007576, OMIM 133239.
Familial thoracic aortic aneurysm and aortic dissection (TAAD). Also called: Thoracic aortic aneurysms and dissections. Identifiers: Orphanet 91387, MedGen C4707243, MONDO:0019625.

Allele frequency attached by ClinVar (database versions not stated): gnomAD exomes 0.00002 and 0.00008; ESP Exome Variant Server 0.00008; gnomAD 0.00013; TOPMed 0.00036.
gnomAD v4.1: 143 of 1,582,426 alleles (0.009%); highest among the groups gnomAD compares: Non-Finnish European, 0.01%; 1 homozygote.

Submissions (7):

Blueprint Genetics
Classification: Likely benign. Last evaluated: 2023-09-13. Review status: criteria provided, single submitter. Criteria: ACMG Guidelines, 2015. Collection method: clinical testing. Allele origin: germline.

ARUP Laboratories, Molecular Genetics and Genomics, ARUP Laboratories
Classification: Likely benign. Last evaluated: 2023-03-21. Review status: criteria provided, single submitter. Criteria: ARUP Molecular Germline Variant Investigation Process 2024. Collection method: clinical testing. Allele origin: germline.

Fulgent Genetics
Classification: Likely benign for Malignant tumor of esophagus; Loeys-Dietz syndrome 2; Colorectal cancer, hereditary nonpolyposis, type 6. Last evaluated: 2021-08-09. Review status: criteria provided, single submitter. Criteria: ACMG Guidelines, 2015. Collection method: clinical testing. Allele origin: unknown.

Labcorp Genetics (formerly Invitae), Labcorp
Classification: Likely benign for Familial thoracic aortic aneurysm and aortic dissection. Last evaluated: 2019-12-31. Review status: criteria provided, single submitter. Criteria: Invitae Variant Classification Sherloc (09022015). Collection method: clinical testing. Allele origin: germline.

GeneDx
Classification: Benign. Last evaluated: 2015-09-22. Review status: criteria provided, single submitter. Criteria: GeneDx Variant Classification (06012015). Collection method: clinical testing. Allele origin: germline. Affected: yes.
Comment: This variant is considered likely benign or benign based on one or more of the following criteria: it is a conservative change, it occurs at a poorly conserved position in the protein, it is predicted to be benign by multiple in silico algorithms, and/or has population frequency not consistent with disease.

Laboratory for Molecular Medicine, Mass General Brigham Personalized Medicine
Classification: Likely benign. Last evaluated: 2010-05-10. Review status: criteria provided, single submitter. Criteria: LMM Criteria. Collection method: clinical testing. Allele origin: germline. Observed: 1 variant allele.
Comment: NO REFERENCES

Clinical Genomics, Uppaluri K&H Personalized Medicine Clinic
Classification: Likely benign for Diabetic retinopathy. Review status: criteria provided, single submitter. Criteria: K And H Uppaluri Personalized Medicine Clinic Variant Classification And Assertion Criteria Updated V 2. Collection method: research. Allele origin: unknown.
Comment: Potent mutations in TGFBR2 gene encodes the transforming growth factor that have been associated with angiogenesis and diabetic retinopathy. More clinical studies are needed for stronger association. However, more evidence is required to confer the association of this particular variant rs149757320 with diabetic retinopathy.

Literature cited by the submitters: PubMed 30222965 (cited by Clinical Genomics, Uppaluri K&H Personalized Medicine Clinic); PubMed 28162229 (cited by Clinical Genomics, Uppaluri K&H Personalized Medicine Clinic); PubMed 34572573 (cited by Clinical Genomics, Uppaluri K&H Personalized Medicine Clinic).

NM_003242.6(TGFBR2):c.94+16238C>T

Gene: TGFBR2 (transforming growth factor beta receptor 2; plus strand). Cytogenetic location: 3p24.1.
Variant type: single nucleotide variant.
Coding change: c.94+16238C>T on transcript NM_003242.6 (MANE Select); 16238 bases into the intron after coding-DNA position 94, C replaced by T.
Molecular consequence: intron variant. On other transcripts: synonymous variant (5), 5 prime UTR variant (2).
Genome position (GRCh38, 1-based): chr3:30,623,215, C>T. VCF-style: chr3-30623215-C-T. GRCh37 (hg19) VCF-style: chr3-30664707-C-T.
Other names: c.111C>T, p.Ala37= (NM_001024847.3, NM_001407126.1, NM_001407137.1 and 1 more transcripts); c.63C>T, p.Ala21= (NM_001407128.1); c.-173C>T (NM_001407133.1); c.-183C>T (NM_001407136.1); c.-12+16622C>T (NM_001407129.1, NM_001407132.1); c.-114-9529C>T (NM_001407135.1); c.-67-11525C>T (NM_001407134.1); c.94+16238C>T (NM_001407127.1, NM_001407130.1, NM_001407138.1).
Identifiers: ClinVar variation 43689 (VCV000043689.14), dbSNP rs149757320, ClinGen allele CA020583.
Genomic context (GRCh38, chr3:30,623,215, plus strand): 5'-TAAAAACAGCTCTCTGAGATGGATATAATTATCCTGTTTTACAGATGTGGAAATGGAGGC[C>T]CAGAAAGATGAAATCATCTGCCCCAGCTGTAATAGGACTGCCCATCCACTGAGACATAGT-3'